The following is an entry in ClinVar:

NM_005228.5(EGFR):c.1206A>G (p.Thr402=)

Genes: EGFR (epidermal growth factor receptor; plus strand), LOC126860048 (P300/CBP strongly-dependent group 1 enhancer GRCh37_chr7:55223847-55225046; plus strand). Cytogenetic location: 7p11.2.
Variant type: single nucleotide variant.
Coding change: c.1206A>G on transcript NM_005228.5 (MANE Select); coding-DNA position 1206, A replaced by G.
Protein change: p.Thr402=; no amino-acid change (threonine 402 retained).
Molecular consequence: synonymous variant.
Genome position (GRCh38, 1-based): chr7:55,156,831, A>G. VCF-style: chr7-55156831-A-G. GRCh37 (hg19) VCF-style: chr7-55224524-A-G.
Other names: c.1071A>G, p.Thr357= (NM_001346897.2, NM_001346899.2); c.1206A>G, p.Thr402= (NM_001346898.2, NM_201282.2, NM_201283.2 and 1 more transcripts); c.1047A>G, p.Thr349= (NM_001346900.2); c.405A>G, p.Thr135= (NM_001346941.2).
Identifiers: ClinVar variation 960005 (VCV000960005.9), dbSNP rs1469472530, ClinGen allele CA454968863.

ClinVar aggregate classification (germline): Uncertain significance (1 of 4 stars; one submission).

Conditions:
EGFR-related lung cancer (EGFR). Identifiers: MedGen CN130014.

Allele frequency attached by ClinVar (database versions not stated): gnomAD exomes below 0.00001; TOPMed below 0.00001.
gnomAD v4.1: 2 of 1,614,240 alleles (0.00012%); highest among the groups gnomAD compares: Non-Finnish European, 0.000085%; no homozygotes.

Submission:

Labcorp Genetics (formerly Invitae), Labcorp
Classification: Uncertain significance for EGFR-related lung cancer. Last evaluated: 2019-09-29. Review status: criteria provided, single submitter. Criteria: Invitae Variant Classification Sherloc (09022015). Collection method: clinical testing. Allele origin: germline.
Comment: In summary, the available evidence is currently insufficient to determine the role of this variant in disease. Therefore, it has been classified as a Variant of Uncertain Significance. Algorithms developed to predict the effect of sequence changes on RNA splicing suggest that this variant may disrupt the consensus splice site, but this prediction has not been confirmed by published transcriptional studies. This variant has not been reported in the literature in individuals with EGFR-related conditions. This variant is not present in population databases (ExAC no frequency). This sequence change affects codon 402 of the EGFR mRNA. It is a 'silent' change, meaning that it does not change the encoded amino acid sequence of the EGFR protein.